The following is an entry in ClinVar:

ClinVar aggregate classification (germline): Pathogenic (1 of 4 stars; one submission).

Submission:

Labcorp Genetics (formerly Invitae), Labcorp
Classification: Pathogenic. Last evaluated: 2022-07-06. Review status: criteria provided, single submitter. Criteria: Invitae Variant Classification Sherloc (09022015). Collection method: clinical testing. Allele origin: germline.
Comment: This sequence change creates a premature translational stop signal (p.Asp647Metfs*2) in the MPDZ gene. It is expected to result in an absent or disrupted protein product. Loss-of-function variants in MPDZ are known to be pathogenic (PMID: 23240096, 28556411). This variant is not present in population databases (gnomAD no frequency). This variant has not been reported in the literature in individuals affected with MPDZ-related conditions. For these reasons, this variant has been classified as Pathogenic.

Literature cited by the submitters: PubMed 23240096; PubMed 28556411.

NM_001378778.1(MPDZ):c.1938_1942del (p.Asp647fs)

Gene: MPDZ (multiple PDZ domain crumbs cell polarity complex component; minus strand). Cytogenetic location: 9p23.
Variant type: Deletion.
Coding change: c.1938_1942del on transcript NM_001378778.1 (MANE Select); coding-DNA positions 1938 to 1942, 5 bases deleted (GGACT; older notation c.1938_1942delGGACT).
Protein change: p.Asp647fs; shifts the reading frame from aspartic acid 647.
Molecular consequence: frameshift variant.
Genome position (GRCh38, 1-based): chr9:13,192,157-13,192,161, AGTCC deleted on the plus strand (GGACT on the coding strand, the reverse complement: MPDZ is on the minus strand); deleting any 5 consecutive bases within chr9:13,192,157-13,192,163 gives the same sequence; the c. name uses the placement nearest the transcript's 3' end. VCF-style (leftmost placement, unchanged base first): chr9-13192156-AAGTCC-A. GRCh37 (hg19) VCF-style: chr9-13192155-AAGTCC-A.
Other names: c.1938_1942del, p.Asp647fs (NM_001261406.2, NM_001261407.2, NM_001330637.2 and 14 more transcripts); short protein forms D647fs.
Identifiers: ClinVar variation 1974700 (VCV001974700.5), dbSNP rs2494369768, ClinGen allele CA2580079336.